The following is an entry in ClinVar:

NM_001371986.1(UNC80):c.5077G>A (p.Asp1693Asn)

Genes: UNC80 (unc-80 subunit of NALCN channel complex; plus strand), LOC126806490 (P300/CBP strongly-dependent group 1 enhancer GRCh37_chr2:210782411-210783610; plus strand). Cytogenetic location: 2q34.
Variant type: single nucleotide variant.
Coding change: c.5077G>A on transcript NM_001371986.1 (MANE Select); coding-DNA position 5077, G replaced by A.
Protein change: p.Asp1693Asn; replaces aspartic acid 1693 with asparagine.
Molecular consequence: missense variant.
Genome position (GRCh38, 1-based): chr2:209,917,824, G>A. VCF-style: chr2-209917824-G-A. GRCh37 (hg19) VCF-style: chr2-210782548-G-A.
Other names: c.4879G>A, p.Asp1627Asn (NM_032504.2); c.4864G>A, p.Asp1622Asn (NM_182587.4); short protein forms D1622N, D1627N, D1693N.
Identifiers: ClinVar variation 2123552 (VCV002123552.4), dbSNP rs967601478, ClinGen allele CA65040193.
Genomic context (GRCh38, chr2:209,917,824, plus strand): 5'-TGACTGTCTCTAGCTGCCATGTTCCTGCTGTGTGCAGTGAAGGTGCCTGAGGCCGTGTCC[G>A]ACATGCTGATGTCAGAGTTCCACCACCCGGAGACTGTGCAGAGGCTGAACGCTGTCCTCA-3'
Protein context (NP_001358915.1, residues 1683-1703): CAVKVPEAVS[Asp1693Asn]MLMSEFHHPE

ClinVar aggregate classification (germline): Uncertain significance (1 of 4 stars; one submission).

Allele frequency attached by ClinVar (database versions not stated): gnomAD 0.00001; gnomAD exomes 0.00001.
gnomAD v4.1: 6 of 1,551,994 alleles (0.00039%); highest among the groups gnomAD compares: Admixed American, 0.0059%; no homozygotes.

Submission:

Labcorp Genetics (formerly Invitae), Labcorp
Classification: Uncertain significance. Last evaluated: 2023-11-21. Review status: criteria provided, single submitter. Criteria: Invitae Variant Classification Sherloc (09022015). Collection method: clinical testing. Allele origin: germline.
Comment: This sequence change replaces aspartic acid, which is acidic and polar, with asparagine, which is neutral and polar, at codon 1627 of the UNC80 protein (p.Asp1627Asn). This variant is present in population databases (no rsID available, gnomAD 0.01%). This variant has not been reported in the literature in individuals affected with UNC80-related conditions. ClinVar contains an entry for this variant (Variation ID: 2123552). Advanced modeling of protein sequence and biophysical properties (such as structural, functional, and spatial information, amino acid conservation, physicochemical variation, residue mobility, and thermodynamic stability) performed at Invitae indicates that this missense variant is not expected to disrupt UNC80 protein function with a negative predictive value of 80%. In summary, the available evidence is currently insufficient to determine the role of this variant in disease. Therefore, it has been classified as a Variant of Uncertain Significance.